The following is an entry in ClinVar:

NM_024120.5(NDUFAF5):c.582_583del (p.Leu194_Tyr195insTer)

Gene: NDUFAF5 (NADH:ubiquinone oxidoreductase complex assembly factor 5; plus strand). Cytogenetic location: 20p12.1.
Variant type: Microsatellite.
Coding change: c.582_583del on transcript NM_024120.5 (MANE Select); coding-DNA positions 582 to 583, 2 bases deleted (CT; older notation c.582_583delCT).
Protein change: p.Leu194_Tyr195insTer.
Molecular consequence: frameshift variant. On other transcripts: non-coding transcript variant (7).
Genome position (GRCh38, 1-based): chr20:13,801,548-13,801,549, CT deleted; deleting any 2 consecutive bases within chr20:13,801,546-13,801,549 gives the same sequence; the c. name uses the placement nearest the transcript's 3' end. VCF-style (leftmost placement, unchanged base first): chr20-13801545-ACT-A. GRCh37 (hg19) VCF-style: chr20-13782191-ACT-A.
Other names: c.498_499del, p.Leu166_Tyr167insTer (NM_001039375.3); c.111_112del, p.Leu37_Tyr38insTer (NM_001352403.2); c.21_22del, p.Leu7_Tyr8insTer (NM_001352406.2, NM_001352407.2); c.582_583del, p.Leu194_Tyr195insTer (NM_001352408.2).
Identifiers: ClinVar variation 2917871 (VCV002917871.3), dbSNP rs1856241294, ClinGen allele CA2351374351.

ClinVar aggregate classification (germline): Pathogenic (1 of 4 stars; one submission).

Submission:

Labcorp Genetics (formerly Invitae), Labcorp
Classification: Pathogenic. Last evaluated: 2023-03-07. Review status: criteria provided, single submitter. Criteria: Invitae Variant Classification Sherloc (09022015). Collection method: clinical testing. Allele origin: germline.
Comment: This sequence change creates a premature translational stop signal (p.Tyr195*) in the NDUFAF5 gene. It is expected to result in an absent or disrupted protein product. Loss-of-function variants in NDUFAF5 are known to be pathogenic (PMID: 26275793, 30473481, 32918965). This variant is not present in population databases (gnomAD no frequency). This variant has not been reported in the literature in individuals affected with NDUFAF5-related conditions. For these reasons, this variant has been classified as Pathogenic.

Literature cited by the submitters: PubMed 26275793; PubMed 30473481; PubMed 32918965.